The following is an entry in ClinVar:

NM_000530.8(MPZ):c.105C>A (p.Asp35Glu)

Gene: MPZ (myelin protein zero; minus strand). Cytogenetic location: 1q23.3.
Variant type: single nucleotide variant.
Coding change: c.105C>A on transcript NM_000530.8 (MANE Select); coding-DNA position 105, C replaced by A.
Protein change: p.Asp35Glu; replaces aspartic acid 35 with glutamic acid.
Molecular consequence: missense variant.
Genome position (GRCh38, 1-based): chr1:161,307,387, G>T on the plus strand (C>A on the coding strand, the complement: MPZ is on the minus strand). VCF-style: chr1-161307387-G-T. GRCh37 (hg19) VCF-style: chr1-161277177-G-T.
Other names: c.105C>A, p.Asp35Glu (NM_001315491.2); short protein forms D35E.
Identifiers: ClinVar variation 2776393 (VCV002776393.4), dbSNP rs1322340264, ClinGen allele CA343351524.

ClinVar aggregate classification (germline): Uncertain significance. Review status: criteria provided, multiple submitters, no conflicts (2 of 4 stars). 2 submissions from 2 submitters: Uncertain significance (2). Last evaluated 2025-03-12.

Conditions:
Inborn genetic diseases. Identifiers: MedGen C0950123, MeSH D030342.
Charcot-Marie-Tooth disease, type I (CMT1). Also called: Charcot-Marie-Tooth, Type 1; Charcot-Marie-Tooth disease type 1. Identifiers: Orphanet 65753, MedGen C0751036, MONDO:0019011.

Allele frequency attached by ClinVar (database versions not stated): TOPMed 0.00001.
gnomAD v4.1: 2 of 1,614,298 alleles (0.00012%); highest among the groups gnomAD compares: Non-Finnish European, 0.000085%; no homozygotes.

Submissions (2):

Labcorp Genetics (formerly Invitae), Labcorp
Classification: Uncertain significance for Charcot-Marie-Tooth disease, type I. Last evaluated: 2025-03-12. Review status: criteria provided, single submitter. Criteria: Invitae Variant Classification Sherloc (09022015). Collection method: clinical testing. Allele origin: germline.
Comment: This sequence change replaces aspartic acid, which is acidic and polar, with glutamic acid, which is acidic and polar, at codon 35 of the MPZ protein (p.Asp35Glu). This variant is present in population databases (no rsID available, gnomAD 0.0009%). This missense change has been observed in individual(s) with MPZ-related conditions (internal data). ClinVar contains an entry for this variant (Variation ID: 2776393). Invitae Evidence Modeling of protein sequence and biophysical properties (such as structural, functional, and spatial information, amino acid conservation, physicochemical variation, residue mobility, and thermodynamic stability) indicates that this missense variant is not expected to disrupt MPZ protein function with a negative predictive value of 80%. This variant disrupts the p.Asp35 amino acid residue in MPZ. Other variant(s) that disrupt this residue have been determined to be pathogenic (PMID: 20385006, 24053775, 24444136). This suggests that this residue is clinically significant, and that variants that disrupt this residue are likely to be disease-causing. In summary, the available evidence is currently insufficient to determine the role of this variant in disease. Therefore, it has been classified as a Variant of Uncertain Significance.

Ambry Genetics
Classification: Uncertain significance for Inborn genetic diseases. Last evaluated: 2023-11-03. Review status: criteria provided, single submitter. Criteria: Ambry Variant Classification Scheme 2023. Collection method: clinical testing. Allele origin: germline.

Literature cited by the submitters: PubMed 20385006 (cited by Labcorp Genetics (formerly Invitae), Labcorp); PubMed 24053775 (cited by Labcorp Genetics (formerly Invitae), Labcorp); PubMed 24444136 (cited by Labcorp Genetics (formerly Invitae), Labcorp).